The following is an entry in ClinVar:

NM_000410.4(HFE):c.277G>C (p.Gly93Arg)

Gene: HFE (homeostatic iron regulator; plus strand). Cytogenetic location: 6p22.2.
Variant type: single nucleotide variant.
Coding change: c.277G>C on transcript NM_000410.4 (MANE Select); coding-DNA position 277, G replaced by C.
Protein change: p.Gly93Arg; replaces glycine 93 with arginine.
Molecular consequence: missense variant. On other transcripts: intron variant (4).
Genome position (GRCh38, 1-based): chr6:26,091,041, G>C. VCF-style: chr6-26091041-G-C. GRCh37 (hg19) VCF-style: chr6-26091269-G-C.
Other names: c.277G>C, p.Gly93Arg (NM_001300749.3, NM_001384164.1, NM_001406751.1 and 3 more transcripts); c.208G>C, p.Gly70Arg (NM_139009.3); c.77-273G>C (NM_139007.3, NM_139008.3); c.77-1644G>C (NM_139010.3); c.77-2078G>C (NM_139011.3); short protein forms G93R, G70R.
Identifiers: ClinVar variation 13 (VCV000000013.4), dbSNP rs28934597, ClinGen allele CA280943.
Genomic context (GRCh38, chr6:26,091,041, plus strand): 5'-CCATGGGTTTCCAGTAGAATTTCAAGCCAGATGTGGCTGCAGCTGAGTCAGAGTCTGAAA[G>C]GGTGGGATCACATGTTCACTGTTGACTTCTGGACTATTATGGAAAATCACAACCACAGCA-3'
Protein context (NP_000401.1, residues 83-103): MWLQLSQSLK[Gly93Arg]WDHMFTVDFW

ClinVar aggregate classification (germline): Uncertain significance. Review status: criteria provided, single submitter (1 of 4 stars). 2 submissions from 2 submitters: Uncertain significance (1). 1 of the submissions does not count toward it. Last evaluated 2024-07-24.

Conditions:
Hemochromatosis type 1 (HFE1). Also called: HFE-Associated Hereditary Hemochromatosis; HFE-Related Hemochromatosis. Identifiers: Orphanet 465508, MedGen C3469186, MONDO:0021001, OMIM 235200. Disease mechanism: loss of function.

Allele frequency attached by ClinVar (database versions not stated): gnomAD 0.00001; gnomAD exomes 0.00001.
gnomAD v4.1: 43 of 1,614,018 alleles (0.0027%); highest among the groups gnomAD compares: Non-Finnish European, 0.0036%; no homozygotes.

Submissions (2):

Women's Health and Genetics/Laboratory Corporation of America, LabCorp
Classification: Uncertain significance. Last evaluated: 2024-07-24. Review status: criteria provided, single submitter. Criteria: LabCorp Variant Classification Summary - May 2015. Collection method: clinical testing. Allele origin: germline.
Comment: Variant summary: HFE c.277G>C (p.Gly93Arg) results in a non-conservative amino acid change located in the MHC class I alpha chain, alpha1 alpha2 domains (IPR001039) of the encoded protein sequence. Three of five in-silico tools predict a damaging effect of the variant on protein function. The variant allele was found at a frequency of 1.2e-05 in 251474 control chromosomes. c.277G>C has been reported in the literature in trans with p.Cys282Tyr (a common low-penetrance pathogenic variant) in at least 2 related individuals affected with Hemochromatosis Type 1 (example, Barton_1999). These data indicate that the variant may be associated with disease. To our knowledge, no experimental evidence demonstrating an impact on protein function has been reported. The following publication has been ascertained in the context of this evaluation (PMID: 10575540). ClinVar contains an entry for this variant (Variation ID: 13). Based on the evidence outlined above, the variant was classified as VUS-possibly pathogenic.

OMIM
Classification: Pathogenic for HEMOCHROMATOSIS, TYPE 1. Last evaluated: 1999-06-01. Review status: no assertion criteria provided. Collection method: literature only. Allele origin: germline. Not counted in ClinVar's aggregate classification.

Literature cited by the submitters: PubMed 10575540 (cited by Women's Health and Genetics/Laboratory Corporation of America, LabCorp and OMIM).